The following is an entry in ClinVar:

NM_001267550.2(TTN):c.24226+1G>A

Gene: TTN (titin; minus strand). Cytogenetic location: 2q31.2.
Variant type: single nucleotide variant.
Coding change: c.24226+1G>A on transcript NM_001267550.2 (MANE Select); the canonical splice donor site of the intron after coding-DNA position 24226, G replaced by A.
Molecular consequence: splice donor variant. On other transcripts: intron variant (3).
Genome position (GRCh38, 1-based): chr2:178,719,163, C>T on the plus strand (G>A on the coding strand, the complement: TTN is on the minus strand). VCF-style: chr2-178719163-C-T. GRCh37 (hg19) VCF-style: chr2-179583890-C-T.
Other names: c.13282+18919G>A (NM_003319.4); c.13858+18919G>A (NM_133437.4); c.13657+18919G>A (NM_133432.3); c.20494+1G>A (NM_133378.4); c.23275+1G>A (NM_001256850.1).
Identifiers: ClinVar variation 1313575 (VCV001313575.3), dbSNP rs2154299944, ClinGen allele CA349500633.
Genomic context (GRCh38, chr2:178,719,163, plus strand): 5'-GGCACCACGTCCACATGAAAGAGGTGTTAGAGAAGCAGCAGCTTTATCCTTGCACACTGA[C>T]CTTGCACAGTCAGGACTGCTGAGCACTCATCGGAACCAGCTACATTGGCAGCCACACACG-3'

ClinVar aggregate classification (germline): Conflicting classifications of pathogenicity. Review status: criteria provided, conflicting classifications (1 of 4 stars). 2 submissions from 2 submitters: Likely pathogenic (1); Uncertain significance (1). Last evaluated 2025-09-01.

Conditions:
Dilated cardiomyopathy 1G (CMD1G). Identifiers: Orphanet 154, MedGen C1858763, MONDO:0011400, OMIM 604145.
Autosomal recessive limb-girdle muscular dystrophy type 2J (LGMDR10). Also called: Limb-girdle muscular dystrophy, type 2J; MUSCULAR DYSTROPHY, LIMB-GIRDLE, AUTOSOMAL RECESSIVE 10. Identifiers: Orphanet 140922, MedGen C1837342, MONDO:0012127, OMIM 608807.

Submissions (2):

Labcorp Genetics (formerly Invitae), Labcorp
Classification: Likely pathogenic for Dilated cardiomyopathy 1G; Autosomal recessive limb-girdle muscular dystrophy type 2J. Last evaluated: 2025-09-01. Review status: criteria provided, single submitter. Criteria: Invitae Variant Classification Sherloc (09022015). Collection method: clinical testing. Allele origin: germline.
Comment: This sequence change affects a donor splice site in intron 83 of the TTN gene. It is expected to disrupt RNA splicing and likely results in a truncated or disrupted TTN protein. This variant is not present in population databases (gnomAD no frequency). This variant has not been reported in the literature in individuals affected with TTN-related conditions. ClinVar contains an entry for this variant (Variation ID: 1313575). Algorithms developed to predict the effect of sequence changes on RNA splicing suggest that this variant may disrupt the consensus splice site. This variant is located in the I band of TTN (PMID: 25589632). Truncating variants in this region have been reported in individuals affected with autosomal recessive centronuclear myopathy (PMID: 23975875, internal data). Truncating variants in this region have also been identified in individuals affected with autosomal dominant dilated cardiomyopathy and/or cardio-related conditions (PMID: 27869827, 32964742, internal data). In summary, the currently available evidence indicates that the variant is pathogenic, but additional data are needed to prove that conclusively. Therefore, this variant has been classified as Likely Pathogenic.

GeneDx
Classification: Uncertain significance. Last evaluated: 2020-10-28. Review status: criteria provided, single submitter. Criteria: GeneDx Variant Classification Process June 2021. Collection method: clinical testing. Allele origin: germline. Affected: yes.
Comment: Canonical splice site variant in a gene for which loss-of-function is not a known mechanism of disease; Not observed in large population cohorts (Lek et al., 2016); Has not been previously published as pathogenic or benign to our knowledge; Not located in the A-band nor the M-line region of titin, where the majority of pathogenic truncating variants have been reported

Literature cited by the submitters: PubMed 25589632 (cited by Labcorp Genetics (formerly Invitae), Labcorp); PubMed 23975875 (cited by Labcorp Genetics (formerly Invitae), Labcorp); PubMed 27869827 (cited by Labcorp Genetics (formerly Invitae), Labcorp); PubMed 32964742 (cited by Labcorp Genetics (formerly Invitae), Labcorp).